The following is an entry in ClinVar:

ClinVar aggregate classification (germline): Uncertain significance (1 of 4 stars; one submission).

Allele frequency attached by ClinVar (database versions not stated): gnomAD exomes below 0.00001 and 0.00001; ExAC 0.00001; TOPMed 0.00002; ESP Exome Variant Server 0.00008.
gnomAD v4.1: 6 of 1,613,324 alleles (0.00037%); highest among the groups gnomAD compares: Admixed American, 0.0033%; no homozygotes.

Submission:

Labcorp Genetics (formerly Invitae), Labcorp
Classification: Uncertain significance. Last evaluated: 2022-08-07. Review status: criteria provided, single submitter. Criteria: Invitae Variant Classification Sherloc (09022015). Collection method: clinical testing. Allele origin: germline.
Comment: This sequence change replaces glycine, which is neutral and non-polar, with serine, which is neutral and polar, at codon 151 of the PEX3 protein (p.Gly151Ser). This variant is present in population databases (rs368648805, gnomAD 0.009%). This variant has not been reported in the literature in individuals affected with PEX3-related conditions. ClinVar contains an entry for this variant (Variation ID: 1469080). Algorithms developed to predict the effect of missense changes on protein structure and function (SIFT, PolyPhen-2, Align-GVGD) all suggest that this variant is likely to be tolerated. In summary, the available evidence is currently insufficient to determine the role of this variant in disease. Therefore, it has been classified as a Variant of Uncertain Significance.

NM_003630.3(PEX3):c.451G>A (p.Gly151Ser)

Gene: PEX3 (peroxisomal biogenesis factor 3; plus strand). Cytogenetic location: 6q24.2.
Variant type: single nucleotide variant.
Coding change: c.451G>A on transcript NM_003630.3 (MANE Select); coding-DNA position 451, G replaced by A.
Protein change: p.Gly151Ser; replaces glycine 151 with serine.
Molecular consequence: missense variant.
Genome position (GRCh38, 1-based): chr6:143,471,080, G>A. VCF-style: chr6-143471080-G-A. GRCh37 (hg19) VCF-style: chr6-143792217-G-A.
Other names: short protein forms G151S.
Identifiers: ClinVar variation 1469080 (VCV001469080.3), dbSNP rs368648805, ClinGen allele CA4029566.
Genomic context (GRCh38, chr6:143,471,080, plus strand): 5'-GTCCAGTTAAACATAATTGGTGGATATATTTACCTGGATAATGCAGCAGTTGGCAAAAAT[G>A]GCACTGTAAGTTTAATAGACTTAAATAGACATTGTTCTTTCCCTCAGGAGGTTCAAAGTT-3'
Protein context (NP_003621.1, residues 141-161): YLDNAAVGKN[Gly151Ser]TTILAPPDVQ